The following is an entry in ClinVar:

ClinVar aggregate classification (germline): Pathogenic (1 of 4 stars; one submission).

Conditions:
Glycogen storage disease, type V (GSD5). Also called: McArdle type glycogen storage disease; MCARDLE DISEASE; MUSCLE GLYCOGEN PHOSPHORYLASE DEFICIENCY; MYOPHOSPHORYLASE DEFICIENCY; PYGM DEFICIENCY. Identifiers: Orphanet 368, MedGen C0017924, MONDO:0009293, OMIM 232600.

Submission:

Labcorp Genetics (formerly Invitae), Labcorp
Classification: Pathogenic for Glycogen storage disease, type V. Last evaluated: 2022-06-15. Review status: criteria provided, single submitter. Criteria: Invitae Variant Classification Sherloc (09022015). Collection method: clinical testing. Allele origin: germline.
Comment: For these reasons, this variant has been classified as Pathogenic. This variant disrupts a region of the PYGM protein in which other variant(s) (p.Trp798Arg) have been determined to be pathogenic (PMID: 10590419, 10681080, 17994553, 22250184, 30415384). This suggests that this is a clinically significant region of the protein, and that variants that disrupt it are likely to be disease-causing. This variant has not been reported in the literature in individuals affected with PYGM-related conditions. This variant is a gross deletion of the genomic region encompassing exon(s) 17-20 of the PYGM gene, which includes the termination codon. This deletion extends beyond the assayed region for this gene and therefore may encompass additional genes. While this deletion is not anticipated to lead to nonsense mediated decay, it is expected to alter mRNA translation or result in a truncated protein product.

Literature cited by the submitters: PubMed 10590419; PubMed 10681080; PubMed 17994553; PubMed 22250184; PubMed 30415384.

NC_000011.9:g.(?_64514121)_(64518065_?)del

Gene: PYGM (glycogen phosphorylase, muscle associated; minus strand). Cytogenetic location: 11q13.1.
Variant type: Deletion.
Identifiers: ClinVar variation 1460419 (VCV001460419.5).